The following is an entry in ClinVar:

NM_001034116.2(EIF2B4):c.1297C>T (p.Pro433Ser)

Genes: EIF2B4 (eukaryotic translation initiation factor 2B subunit delta; minus strand), GTF3C2-AS2 (GTF3C2 antisense RNA 2; plus strand). Cytogenetic location: 2p23.3.
Variant type: single nucleotide variant.
Coding change: c.1297C>T on transcript NM_001034116.2 (MANE Select); coding-DNA position 1297, C replaced by T.
Protein change: p.Pro433Ser; replaces proline 433 with serine.
Molecular consequence: missense variant.
Genome position (GRCh38, 1-based): chr2:27,364,793, G>A on the plus strand (C>T on the coding strand, the complement: EIF2B4 is on the minus strand). VCF-style: chr2-27364793-G-A. GRCh37 (hg19) VCF-style: chr2-27587660-G-A.
Other names: c.1360C>T, p.Pro454Ser (NM_001318965.2); c.1252C>T, p.Pro418Ser (NM_001318966.2); c.1204C>T, p.Pro402Ser (NM_001318967.2); c.712C>T, p.Pro238Ser (NM_001318968.2); c.679C>T, p.Pro227Ser (NM_001318969.2); c.1294C>T, p.Pro432Ser (NM_015636.4); c.1357C>T, p.Pro453Ser (NM_172195.4); short protein forms P238S, P453S, P402S, P227S, P418S, P432S, P433S, P454S.
Identifiers: ClinVar variation 5006281 (VCV005006281.2).
Genomic context (GRCh38, chr2:27,364,793, plus strand): 5'-CAAAGGCATCAGTCTGCACACGCTCACAGAACTTGTATGTTTCACAGCAAACCAGCACTG[G>A]TACATTATGGGCTCGAGCCACCAGGGCTAACTGTGCTGTCCCTACCCGTGACATCACAGA-3'
Protein context (NP_001029288.1, residues 423-443): LALVARAHNV[Pro433Ser]VLVCCETYKF

ClinVar aggregate classification (germline): Uncertain significance (1 of 4 stars; one submission).

Conditions:
Leukoencephalopathy with vanishing white matter 4 (VWM4). Also called: Leukoencephalopathy with vanishing white matter 4, with or without ovarian failure; EIF2B4-Related Childhood Ataxia with Central Nervous System Hypomyelination/Vanishing White Matter. Identifiers: MedGen C5830406, MONDO:0957872, OMIM 620314.

Submission:

Juno Genomics, Hangzhou Juno Genomics, Inc
Classification: Uncertain significance for Leukoencephalopathy with vanishing white matter 4. Review status: criteria provided, single submitter. Criteria: ACMG Guidelines, 2015. Collection method: clinical testing. Allele origin: germline.
Comment: Absent from controls (or at extremely low frequency if recessive) in Genome Aggregation Database.;Multiple lines of computational evidence support a deleterious effect on the gene or gene product.